The following is an entry in ClinVar:

NM_014946.4(SPAST):c.811G>A (p.Gly271Ser)

Gene: SPAST (spastin; plus strand). Cytogenetic location: 2p22.3.
Variant type: single nucleotide variant.
Coding change: c.811G>A on transcript NM_014946.4 (MANE Select); coding-DNA position 811, G replaced by A.
Protein change: p.Gly271Ser; replaces glycine 271 with serine.
Molecular consequence: missense variant.
Genome position (GRCh38, 1-based): chr2:32,114,766, G>A. VCF-style: chr2-32114766-G-A. GRCh37 (hg19) VCF-style: chr2-32339835-G-A.
Other names: c.715G>A, p.Gly239Ser (NM_001377959.1, NM_199436.2); c.808G>A, p.Gly270Ser (NM_001363823.2); c.712G>A, p.Gly238Ser (NM_001363875.2); short protein forms G238S, G239S, G270S, G271S.
Identifiers: ClinVar variation 2650805 (VCV002650805.24), dbSNP rs1678760777, ClinGen allele CA346498699.

ClinVar aggregate classification (germline): Uncertain significance (1 of 4 stars; one submission).

gnomAD v4.1: 1 of 1,614,026 alleles (0.000062%); no homozygotes.

Submission:

CeGaT Center for Human Genetics Tuebingen
Classification: Uncertain significance. Last evaluated: 2023-01-01. Review status: criteria provided, single submitter. Criteria: CeGaT Center For Human Genetics Tuebingen Variant Classification Criteria Version 2. Collection method: clinical testing. Allele origin: germline. Affected: yes. Observed: 1 variant allele.
Comment: SPAST: PM2, BP4